The following is an entry in ClinVar:

NM_153704.6(TMEM67):c.1893G>C (p.Gln631His)

Gene: TMEM67 (transmembrane protein 67; plus strand). Cytogenetic location: 8q22.1.
Variant type: single nucleotide variant.
Coding change: c.1893G>C on transcript NM_153704.6 (MANE Select); coding-DNA position 1893, G replaced by C.
Protein change: p.Gln631His; replaces glutamine 631 with histidine.
Molecular consequence: missense variant. On other transcripts: non-coding transcript variant (1).
Genome position (GRCh38, 1-based): chr8:93,797,166, G>C. VCF-style: chr8-93797166-G-C. GRCh37 (hg19) VCF-style: chr8-94809394-G-C.
Other names: c.1650G>C, p.Gln550His (NM_001142301.1); short protein forms Q631H, Q550H.
Identifiers: ClinVar variation 2138235 (VCV002138235.4), dbSNP rs1291946679, ClinGen allele CA371693230.

ClinVar aggregate classification (germline): Uncertain significance. Review status: criteria provided, multiple submitters, no conflicts (2 of 4 stars). 4 submissions from 4 submitters: Uncertain significance (3). 1 of the submissions does not count toward it. Last evaluated 2024-06-26.

Conditions:
Inborn genetic diseases. Identifiers: MedGen C0950123, MeSH D030342.
Meckel syndrome, type 3 (MKS3). Also called: MECKEL-GRUBER SYNDROME, TYPE 3. Identifiers: Orphanet 564, MedGen C1846357, MONDO:0011821, OMIM 607361.
RHYNS syndrome. Also called: RETINITIS PIGMENTOSA SYNDROME; RETINITIS PIGMENTOSA, HYPOPITUITARISM, NEPHRONOPHTHISIS, AND MILD SKELETAL DYSPLASIA. Identifiers: Orphanet 140976, MedGen C1865794, MONDO:0011202, OMIM 602152.
Nephronophthisis 11 (NPHP11). Identifiers: Orphanet 84081, MedGen C3150796, MONDO:0013302, OMIM 613550.
COACH syndrome 1. Identifiers: Orphanet 1454, MedGen C5435651, MONDO:0800103, OMIM 216360, MONDO:0008996.
Bardet-Biedl syndrome 14 (BBS14). Identifiers: Orphanet 110, MedGen C2673874, MONDO:0014442, OMIM 615991.
Joubert syndrome 6 (JBTS6). Identifiers: Orphanet 475, MedGen C1853153, MONDO:0012539, OMIM 610688.
TMEM67-related disorder. Also called: TMEM67-related condition; TMEM67-related disorders. Identifiers: MedGen CN239423.
Meckel-Gruber syndrome. Also called: Dysencephalia splachnocystica; GRUBER SYNDROME; DYSENCEPHALIA SPLANCHNOCYSTICA. Identifiers: Orphanet 564, MedGen C0265215, MONDO:0018921.
Joubert syndrome. Also called: Familial aplasia of the vermis; JOUBERT-BOLTSHAUSER SYNDROME. Identifiers: Orphanet 475, MedGen C5979921, MONDO:0018772.

Allele frequency attached by ClinVar (database versions not stated): gnomAD exomes below 0.00001; TOPMed 0.00003.
gnomAD v4.1: 2 of 1,612,710 alleles (0.00012%); highest among the groups gnomAD compares: African/African-American, 0.0013%; no homozygotes.

Submissions (4):

Ambry Genetics
Classification: Uncertain significance for Inborn genetic diseases. Last evaluated: 2024-06-26. Review status: criteria provided, single submitter. Criteria: Ambry Variant Classification Scheme 2023. Collection method: clinical testing. Allele origin: germline.

Fulgent Genetics
Classification: Uncertain significance for COACH syndrome 1; RHYNS syndrome; Meckel syndrome, type 3; Joubert syndrome 6; Nephronophthisis 11; Bardet-Biedl syndrome 14. Last evaluated: 2024-05-14. Review status: criteria provided, single submitter. Criteria: ACMG Guidelines, 2015. Collection method: clinical testing. Allele origin: germline.

Labcorp Genetics (formerly Invitae), Labcorp
Classification: Uncertain significance for Joubert syndrome; Meckel-Gruber syndrome. Last evaluated: 2022-04-09. Review status: criteria provided, single submitter. Criteria: Invitae Variant Classification Sherloc (09022015). Collection method: clinical testing. Allele origin: germline.
Comment: This sequence change replaces glutamine, which is neutral and polar, with histidine, which is basic and polar, at codon 631 of the TMEM67 protein (p.Gln631His). This variant is not present in population databases (gnomAD no frequency). This variant has not been reported in the literature in individuals affected with TMEM67-related conditions. Advanced modeling of protein sequence and biophysical properties (such as structural, functional, and spatial information, amino acid conservation, physicochemical variation, residue mobility, and thermodynamic stability) performed at Invitae indicates that this missense variant is expected to disrupt TMEM67 protein function. In summary, the available evidence is currently insufficient to determine the role of this variant in disease. Therefore, it has been classified as a Variant of Uncertain Significance.

PreventionGenetics, part of Exact Sciences
Classification: Uncertain significance for TMEM67-related condition. Last evaluated: 2024-08-21. Review status: no assertion criteria provided. Collection method: clinical testing. Allele origin: germline. Not counted in ClinVar's aggregate classification.
Comment: The TMEM67 c.1893G>C variant is predicted to result in the amino acid substitution p.Gln631His. To our knowledge, this variant has not been reported in the literature or in a large population database, indicating this variant is rare. At this time, the clinical significance of this variant is uncertain due to the absence of conclusive functional and genetic evidence.